The following is an entry in ClinVar:

ClinVar aggregate classification (germline): Benign/Likely benign. Review status: criteria provided, multiple submitters, no conflicts (2 of 4 stars). 15 submissions from 15 submitters: Benign (13); Likely benign (1). 1 of the submissions does not count toward it. Last evaluated 2026-02-02.

Conditions:
APC-Associated Polyposis Disorders.
Hereditary cancer-predisposing syndrome. Also called: Tumor predisposition; Hereditary neoplastic syndrome; Neoplastic Syndromes, Hereditary; Hereditary Cancer Syndrome. Identifiers: Orphanet 140162, MedGen C0027672, MeSH D009386, MONDO:0015356.
Familial adenomatous polyposis 1 (FAP1). Also called: FAMILIAL ADENOMATOUS POLYPOSIS 1, ATTENUATED; POLYPOSIS, ADENOMATOUS INTESTINAL. Identifiers: MedGen C2713442, MONDO:0021056, OMIM 175100. Disease mechanism: loss of function.

Allele frequency attached by ClinVar (database versions not stated): 1000 Genomes Project 0.00479; gnomAD 0.00497; TOPMed 0.00518; ESP Exome Variant Server 0.00585; 1000 Genomes Project 30x 0.00609.
gnomAD v4.1: 1,353 of 1,614,022 alleles (0.084%); highest among the groups gnomAD compares: African/African-American, 1.6%; 14 homozygotes.

Submissions (15):

Labcorp Genetics (formerly Invitae), Labcorp
Classification: Benign for Familial adenomatous polyposis 1. Last evaluated: 2026-02-02. Review status: criteria provided, single submitter. Criteria: Invitae Variant Classification Sherloc (09022015). Collection method: clinical testing. Allele origin: germline.

Quest Diagnostics Nichols Institute San Juan Capistrano
Classification: Benign. Last evaluated: 2025-09-30. Review status: criteria provided, single submitter. Criteria: Quest Diagnostics criteria. Collection method: clinical testing. Allele origin: unknown.

Center for Genomic Medicine, Rigshospitalet, Copenhagen University Hospital
Classification: Benign. Last evaluated: 2025-03-04. Review status: criteria provided, single submitter. Criteria: ACMG Guidelines, 2015. Collection method: clinical testing. Allele origin: germline.

Blueprint Genetics
Classification: Likely benign. Last evaluated: 2024-10-24. Review status: criteria provided, single submitter. Criteria: ACMG Guidelines, 2015. Collection method: clinical testing. Allele origin: germline.

Myriad Genetics, Inc.
Classification: Benign for Familial adenomatous polyposis 1. Last evaluated: 2024-04-01. Review status: criteria provided, single submitter. Criteria: Myriad Autosomal Dominant, Autosomal Recessive and X-Linked Classification Criteria (2023). Collection method: clinical testing. Allele origin: unknown.
Comment: This variant is considered benign. This variant is a silent/synonymous amino acid change and it is not expected to impact splicing.

Institute for Biomarker Research, Medical Diagnostic Laboratories, L.L.C.
Classification: Benign for Hereditary cancer-predisposing syndrome. Last evaluated: 2023-11-06. Review status: criteria provided, single submitter. Criteria: ACMG Guidelines, 2015. Collection method: clinical testing. Allele origin: germline.

KCCC/NGS Laboratory, Kuwait Cancer Control Center
Classification: Benign for Familial adenomatous polyposis 1. Last evaluated: 2023-07-07. Review status: criteria provided, single submitter. Criteria: ACMG Guidelines, 2015. Collection method: clinical testing. Allele origin: germline. Affected: yes.

ARUP Laboratories, Molecular Genetics and Genomics, ARUP Laboratories
Classification: Benign. Last evaluated: 2023-05-12. Review status: criteria provided, single submitter. Criteria: ARUP Molecular Germline Variant Investigation Process 2024. Collection method: clinical testing. Allele origin: germline.

Genetic Services Laboratory, University of Chicago
Classification: Benign. Last evaluated: 2022-01-07. Review status: criteria provided, single submitter. Criteria: ACMG Guidelines, 2015. Collection method: clinical testing. Allele origin: germline. Affected: no.

Illumina Laboratory Services, Illumina
Classification: Benign for APC-Associated Polyposis Disorders. Last evaluated: 2018-01-13. Review status: criteria provided, single submitter. Criteria: ICSL Variant Classification Criteria 13 December 2019. Collection method: clinical testing. Allele origin: germline.
Comment: This variant was observed in the ICSL laboratory as part of a predisposition screen in an ostensibly healthy population. It had not been previously curated by ICSL or reported in the Human Gene Mutation Database (HGMD: prior to June 1st, 2018), and was therefore a candidate for classification through an automated scoring system. Utilizing variant allele frequency, disease prevalence and penetrance estimates, and inheritance mode, an automated score was calculated to assess if this variant is too frequent to cause the disease. Based on the score and internal cut-off values, a variant classified as benign is not then subjected to further curation. The score for this variant resulted in a classification of benign for this disease.

Color Diagnostics, LLC DBA Color Health
Classification: Benign for Hereditary cancer-predisposing syndrome. Last evaluated: 2016-03-18. Review status: criteria provided, single submitter. Criteria: ACMG Guidelines, 2015. Collection method: clinical testing. Allele origin: germline.

Ambry Genetics
Classification: Benign for Hereditary cancer-predisposing syndrome. Last evaluated: 2014-12-22. Review status: criteria provided, single submitter. Criteria: Ambry Variant Classification Scheme 2023. Collection method: clinical testing. Allele origin: germline.

GeneDx
Classification: Benign. Last evaluated: 2014-03-19. Review status: criteria provided, single submitter. Criteria: GeneDx Variant Classification (06012015). Collection method: clinical testing. Allele origin: germline. Affected: yes.
Comment: This variant is considered likely benign or benign based on one or more of the following criteria: it is a conservative change, it occurs at a poorly conserved position in the protein, it is predicted to be benign by multiple in silico algorithms, and/or has population frequency not consistent with disease.

PreventionGenetics, part of Exact Sciences
Classification: Benign. Review status: criteria provided, single submitter. Criteria: ACMG Guidelines, 2015. Collection method: clinical testing. Allele origin: germline.

Department of Pathology and Laboratory Medicine, Sinai Health System
Classification: Benign. Review status: no assertion criteria provided. Collection method: clinical testing. Allele origin: unknown. Affected: yes. Study: The Canadian Open Genetics Repository (COGR). Not counted in ClinVar's aggregate classification.
Comment: The p.Val1750Val variant has not been previously identified in the literature. It is listed in dbSNP database (ID#: rs2229997) with an average heterozygosity of 0.016+/-0.089, therefore increasing the likelihood that this variant is benign. In addition, this variant is not expected to have clinical significance because it does not alter an amino acid residue, and is not located near a splice junction. In summary, based on the above information, this variant is classified as benign.

NM_000038.6(APC):c.5250C>G (p.Val1750=)

Gene: APC (APC regulator of Wnt signaling pathway; plus strand). Cytogenetic location: 5q22.2.
Variant type: single nucleotide variant.
Coding change: c.5250C>G on transcript NM_000038.6 (MANE Select); coding-DNA position 5250, C replaced by G.
Protein change: p.Val1750=; no amino-acid change (valine 1750 retained).
Molecular consequence: synonymous variant.
Genome position (GRCh38, 1-based): chr5:112,840,844, C>G. VCF-style: chr5-112840844-C-G. GRCh37 (hg19) VCF-style: chr5-112176541-C-G.
Other names: p.V1750V:GTC>GTG; c.5250C>G, p.Val1750= (NM_001127510.3, NM_001354895.2); c.5196C>G, p.Val1732= (NM_001127511.3); c.5304C>G, p.Val1768= (NM_001354896.2); c.5280C>G, p.Val1760= (NM_001354897.2); c.5175C>G, p.Val1725= (NM_001354898.2); c.5166C>G, p.Val1722= (NM_001354899.2); c.5127C>G, p.Val1709= (NM_001354900.2); and 6 more.
Identifiers: ClinVar variation 136410 (VCV000136410.43), dbSNP rs2229997, ClinGen allele CA009956.